The following is an entry in ClinVar:

NM_001723.7(DST):c.3718A>C (p.Asn1240His)

Gene: DST (dystonin; minus strand). Cytogenetic location: 6p12.1.
Variant type: single nucleotide variant.
Coding change: c.3718A>C on transcript NM_001723.7 (MANE Plus Clinical); coding-DNA position 3718, A replaced by C.
Protein change: p.Asn1240His; replaces asparagine 1240 with histidine.
Molecular consequence: missense variant. On other transcripts: intron variant (10).
Genome position (GRCh38, 1-based): chr6:56,620,316, T>G on the plus strand (A>C on the coding strand, the complement: DST is on the minus strand). VCF-style: chr6-56620316-T-G. GRCh37 (hg19) VCF-style: chr6-56485114-T-G.
Other names: c.4830+4214A>C (NM_001144769.5); c.4929+4214A>C (NM_001374722.1, NM_001374736.1); c.4956+4214A>C (NM_001374734.1); c.4416+4214A>C (NM_001144770.2); c.4296+4214A>C (NM_001374730.1, NM_001386100.1, NM_183380.4 and 1 more transcripts); c.3318+4214A>C (NM_015548.5); short protein forms N1240H.
Identifiers: ClinVar variation 1040409 (VCV001040409.9), dbSNP rs769025516, ClinGen allele CA364571298.

ClinVar aggregate classification (germline): Uncertain significance (1 of 4 stars; one submission).

Conditions:
Epidermolysis bullosa simplex 3, localized or generalized intermediate, with BP230 deficiency (EBS3). Also called: Epidermolysis bullosa simplex, autosomal recessive 2; Epidermolysis bullosa simplex due to BP230 deficiency. Identifiers: Orphanet 412181, MedGen C3809470, MONDO:0014180, OMIM 615425.
Hereditary sensory and autonomic neuropathy type 6. Also called: Neuropathy, hereditary sensory and autonomic, type VI; HSAN VI. Identifiers: Orphanet 314381, MedGen C3539003, MONDO:0013839, OMIM 614653.

Allele frequency attached by ClinVar (database versions not stated): TOPMed 0.00002.
gnomAD v4.1: 2 of 1,614,156 alleles (0.00012%); highest among the groups gnomAD compares: East Asian, 0.0022%; no homozygotes.

Submission:

Labcorp Genetics (formerly Invitae), Labcorp
Classification: Uncertain significance for Epidermolysis bullosa simplex 3, localized or generalized intermediate, with BP230 deficiency; Hereditary sensory and autonomic neuropathy type 6. Last evaluated: 2024-01-15. Review status: criteria provided, single submitter. Criteria: Invitae Variant Classification Sherloc (09022015). Collection method: clinical testing. Allele origin: germline.
Comment: This sequence change replaces asparagine, which is neutral and polar, with histidine, which is basic and polar, at codon 1240 of the DST protein (p.Asn1240His). This variant is not present in population databases (gnomAD no frequency). This variant has not been reported in the literature in individuals affected with DST-related conditions. ClinVar contains an entry for this variant (Variation ID: 1040409). An algorithm developed to predict the effect of missense changes on protein structure and function (PolyPhen-2) suggests that this variant is likely to be tolerated. In summary, the available evidence is currently insufficient to determine the role of this variant in disease. Therefore, it has been classified as a Variant of Uncertain Significance.